The following is an entry in ClinVar:

NM_002900.3(RBP3):c.972C>T (p.Ser324=)

Gene: RBP3 (retinol binding protein 3; plus strand). Cytogenetic location: 10q11.22.
Variant type: single nucleotide variant.
Coding change: c.972C>T on transcript NM_002900.3 (MANE Select); coding-DNA position 972, C replaced by T.
Protein change: p.Ser324=; no amino-acid change (serine 324 retained).
Molecular consequence: synonymous variant.
Genome position (GRCh38, 1-based): chr10:47,349,456, C>T. VCF-style: chr10-47349456-C-T. GRCh37 (hg19) VCF-style: chr10-48389906-G-A.
Identifiers: ClinVar variation 792869 (VCV000792869.12), dbSNP rs552188961, ClinGen allele CA5487643.

ClinVar aggregate classification (germline): Likely benign. Review status: criteria provided, multiple submitters, no conflicts (2 of 4 stars). 3 submissions from 3 submitters: Likely benign (2). 1 of the submissions does not count toward it. Last evaluated 2025-09-13.

Conditions:
RBP3-related disorder. Also called: RBP3-related condition.

Allele frequency attached by ClinVar (database versions not stated): gnomAD 0.00005 and 0.00006; TOPMed 0.00009; 1000 Genomes Project 0.00020; 1000 Genomes Project 30x 0.00031.

Submissions (3):

Labcorp Genetics (formerly Invitae), Labcorp
Classification: Likely benign. Last evaluated: 2025-09-13. Review status: criteria provided, single submitter. Criteria: Invitae Variant Classification Sherloc (09022015). Collection method: clinical testing. Allele origin: germline.

Blueprint Genetics
Classification: Likely benign. Last evaluated: 2024-07-19. Review status: criteria provided, single submitter. Criteria: ACMG Guidelines, 2015. Collection method: clinical testing. Allele origin: germline.

PreventionGenetics, part of Exact Sciences
Classification: Likely benign for RBP3-related condition. Last evaluated: 2019-04-30. Review status: no assertion criteria provided. Collection method: clinical testing. Allele origin: germline. Not counted in ClinVar's aggregate classification.
Comment: This variant is classified as likely benign based on ACMG/AMP sequence variant interpretation guidelines (Richards et al. 2015 PMID: 25741868, with internal and published modifications).